The following is an entry in ClinVar:

NM_144672.4(OTOA):c.2068T>C (p.Cys690Arg)

Gene: OTOA (otoancorin). Cytogenetic location: 16p12.2.
Variant type: single nucleotide variant.
Coding change: c.2068T>C on transcript NM_144672.4 (MANE Select); coding-DNA position 2068, T replaced by C.
Protein change: p.Cys690Arg; replaces cysteine 690 with arginine.
Molecular consequence: missense variant.
Genome position (GRCh38, 1-based): chr16:21,728,292, T>C. VCF-style: chr16-21728292-T-C. GRCh37 (hg19) VCF-style: chr16-21739613-T-C.
Other names: c.1831T>C, p.Cys611Arg (NM_001161683.2); c.1096T>C, p.Cys366Arg (NM_170664.3); short protein forms C690R, C366R, C611R.
Identifiers: ClinVar variation 2833059 (VCV002833059.3), dbSNP rs1419590320, ClinGen allele CA395062090.
Genomic context (GRCh38, chr16:21,728,292, plus strand): 5'-TGGGTTCAGGACGACTCCATTGCTGATGAGTACACTGTGGACATCATGGGGAACCTGCTG[T>C]GTCACTTGCCGGCAGCCATCATCGACAGGGGGATCTCCCCCAGGGCTTGGGCGACTGCTC-3'
Protein context (NP_653273.3, residues 680-700): YTVDIMGNLL[Cys690Arg]HLPAAIIDRG

ClinVar aggregate classification (germline): Uncertain significance (1 of 4 stars; one submission).

Submission:

Labcorp Genetics (formerly Invitae), Labcorp
Classification: Uncertain significance. Last evaluated: 2023-09-29. Review status: criteria provided, single submitter. Criteria: Invitae Variant Classification Sherloc (09022015). Collection method: clinical testing. Allele origin: germline.
Comment: In summary, the available evidence is currently insufficient to determine the role of this variant in disease. Therefore, it has been classified as a Variant of Uncertain Significance. An algorithm developed to predict the effect of missense changes on protein structure and function (PolyPhen-2) suggests that this variant is likely to be disruptive. This variant has not been reported in the literature in individuals affected with OTOA-related conditions. This variant is not present in population databases (gnomAD no frequency). This sequence change replaces cysteine, which is neutral and slightly polar, with arginine, which is basic and polar, at codon 690 of the OTOA protein (p.Cys690Arg).